The following is an entry in ClinVar:

ClinVar aggregate classification (germline): Uncertain significance (1 of 4 stars; one submission).

Conditions:
Inborn genetic diseases. Identifiers: MedGen C0950123, MeSH D030342.

gnomAD v4.1: 2 of 1,613,186 alleles (0.00012%); highest among the groups gnomAD compares: Non-Finnish European, 0.000085%; no homozygotes.

Submission:

Ambry Genetics
Classification: Uncertain significance for Inborn genetic diseases. Last evaluated: 2026-06-15. Review status: criteria provided, single submitter. Criteria: Ambry Variant Classification Scheme 2023. Collection method: clinical testing. Allele origin: germline.
Comment: The c.3458T>C (p.V1153A) alteration is located in exon 26 (coding exon 25) of the PCDH15 gene. This alteration results from a T to C substitution at nucleotide position 3458, causing the valine (V) at amino acid position 1153 to be replaced by an alanine (A). Based on data from gnomAD, the C allele has an overall frequency of <0.001% (1/251032) total alleles studied. The highest observed frequency was 0.001% (1/113472) of European (non-Finnish) alleles. Based on insufficient or conflicting evidence, the clinical significance of this alteration remains unclear.

NM_001384140.1(PCDH15):c.3458T>C (p.Val1153Ala)

Gene: PCDH15 (protocadherin related 15; minus strand). Cytogenetic location: 10q21.1.
Variant type: single nucleotide variant.
Coding change: c.3458T>C on transcript NM_001384140.1 (MANE Select); coding-DNA position 3458, T replaced by C.
Protein change: p.Val1153Ala; replaces valine 1153 with alanine.
Molecular consequence: missense variant.
Genome position (GRCh38, 1-based): chr10:53,903,286, A>G on the plus strand (T>C on the coding strand, the complement: PCDH15 is on the minus strand). VCF-style: chr10-53903286-A-G. GRCh37 (hg19) VCF-style: chr10-55663046-A-G.
Other names: c.3473T>C, p.Val1158Ala (NM_001142763.2, NM_001142771.2); c.3458T>C, p.Val1153Ala (NM_001142764.2, NM_001142766.2, NM_001142770.3 and 4 more transcripts); c.3245T>C, p.Val1082Ala (NM_001142765.2); c.3347T>C, p.Val1116Ala (NM_001142767.2); c.3392T>C, p.Val1131Ala (NM_001142768.2, NM_001142773.2, NM_001354404.2); c.3494T>C, p.Val1165Ala (NM_001142769.4); c.3479T>C, p.Val1160Ala (NM_001354411.2); short protein forms V1082A, V1153A, V1160A, V1116A, V1165A, V1131A, V1158A.
Identifiers: ClinVar variation 5026329 (VCV005026329.1).
Genomic context (GRCh38, chr10:53,903,286, plus strand): 5'-AACATAATTCCGCATACCTTCACTCTGAGTACAGAAGTAAACATTCTTGCATCTTCAGAT[A>G]CACCTCCGATGTAGAATTTTTTCTGAAACACTGGGGGATGATTATTTTCATCCTGAATCT-3'
Protein context (NP_001371069.1, residues 1143-1163): VFQKKFYIGG[Val1153Ala]SEDARMFTSV